The following is an entry in ClinVar:

ClinVar aggregate classification (germline): Uncertain significance. Review status: criteria provided, multiple submitters, no conflicts (2 of 4 stars). 2 submissions from 2 submitters: Uncertain significance (2). Last evaluated 2026-01-05.

Conditions:
Inborn genetic diseases. Identifiers: MedGen C0950123, MeSH D030342.

Allele frequency attached by ClinVar (database versions not stated): ExAC 0.00001; gnomAD exomes 0.00001; TOPMed 0.00005.
gnomAD v4.1: 9 of 1,614,074 alleles (0.00056%); highest among the groups gnomAD compares: Admixed American, 0.015%; no homozygotes.

Submissions (2):

Labcorp Genetics (formerly Invitae), Labcorp
Classification: Uncertain significance. Last evaluated: 2026-01-05. Review status: criteria provided, single submitter. Criteria: Invitae Variant Classification Sherloc (09022015). Collection method: clinical testing. Allele origin: germline.
Comment: This sequence change replaces tryptophan, which is neutral and slightly polar, with serine, which is neutral and polar, at codon 417 of the GDF5 protein (p.Trp417Ser). This variant is present in population databases (rs748144622, gnomAD 0.01%). This variant has not been reported in the literature in individuals affected with GDF5-related conditions. ClinVar contains an entry for this variant (Variation ID: 2045768). Invitae Evidence Modeling of protein sequence and biophysical properties (such as structural, functional, and spatial information, amino acid conservation, physicochemical variation, residue mobility, and thermodynamic stability) indicates that this missense variant is expected to disrupt GDF5 protein function with a positive predictive value of 80%. In summary, the available evidence is currently insufficient to determine the role of this variant in disease. Therefore, it has been classified as a Variant of Uncertain Significance.

Ambry Genetics
Classification: Uncertain significance for Inborn genetic diseases. Last evaluated: 2024-02-27. Review status: criteria provided, single submitter. Criteria: Ambry Variant Classification Scheme 2023. Collection method: clinical testing. Allele origin: germline.

NM_000557.5(GDF5):c.1250G>C (p.Trp417Ser)

Genes: GDF5 (growth differentiation factor 5; minus strand), GDF5-AS1 (GDF5 antisense RNA 1; plus strand). Cytogenetic location: 20q11.22.
Variant type: single nucleotide variant.
Coding change: c.1250G>C on transcript NM_000557.5 (MANE Select); coding-DNA position 1250, G replaced by C.
Protein change: p.Trp417Ser; replaces tryptophan 417 with serine.
Molecular consequence: missense variant. On other transcripts: non-coding transcript variant (1).
Genome position (GRCh38, 1-based): chr20:35,434,165, C>G on the plus strand (G>C on the coding strand, the complement: GDF5 is on the minus strand). VCF-style: chr20-35434165-C-G. GRCh37 (hg19) VCF-style: chr20-34021963-C-G.
Other names: c.1250G>C, p.Trp417Ser (NM_001319138.2); c.1250G>C (NM_000557.2); short protein forms W417S.
Identifiers: ClinVar variation 2045768 (VCV002045768.4), dbSNP rs748144622, ClinGen allele CA9832137.